The following is an entry in ClinVar:

ClinVar aggregate classification (germline): Uncertain significance (1 of 4 stars; one submission).

Allele frequency attached by ClinVar (database versions not stated): ExAC 0.00001; gnomAD 0.00001 and 0.00002; gnomAD exomes 0.00001; TOPMed 0.00001.
gnomAD v4.1: 19 of 1,613,482 alleles (0.0012%); highest among the groups gnomAD compares: African/African-American, 0.0027%; no homozygotes.

Submission:

Labcorp Genetics (formerly Invitae), Labcorp
Classification: Uncertain significance. Last evaluated: 2025-10-01. Review status: criteria provided, single submitter. Criteria: Invitae Variant Classification Sherloc (09022015). Collection method: clinical testing. Allele origin: germline.
Comment: This sequence change replaces arginine, which is basic and polar, with histidine, which is basic and polar, at codon 151 of the MCM2 protein (p.Arg151His). The frequency data for this variant in the population databases is considered unreliable, as metrics indicate poor data quality at this position in the gnomAD database. This variant has not been reported in the literature in individuals affected with MCM2-related conditions. ClinVar contains an entry for this variant (Variation ID: 1450188). An algorithm developed to predict the effect of missense changes on protein structure and function (PolyPhen-2) suggests that this variant is likely to be disruptive. In summary, the available evidence is currently insufficient to determine the role of this variant in disease. Therefore, it has been classified as a Variant of Uncertain Significance.

NM_004526.4(MCM2):c.452G>A (p.Arg151His)

Gene: MCM2 (minichromosome maintenance complex component 2; plus strand). Cytogenetic location: 3q21.3.
Variant type: single nucleotide variant.
Coding change: c.452G>A on transcript NM_004526.4 (MANE Select); coding-DNA position 452, G replaced by A.
Protein change: p.Arg151His; replaces arginine 151 with histidine.
Molecular consequence: missense variant. On other transcripts: non-coding transcript variant (1).
Genome position (GRCh38, 1-based): chr3:127,604,935, G>A. VCF-style: chr3-127604935-G-A. GRCh37 (hg19) VCF-style: chr3-127323778-G-A.
Other names: short protein forms R151H.
Identifiers: ClinVar variation 1450188 (VCV001450188.8), dbSNP rs751729409, ClinGen allele CA2595591.